The following is an entry in ClinVar:

NM_021728.4(OTX2):c.169C>T (p.Gln57Ter)

Gene: OTX2 (orthodenticle homeobox 2; minus strand). Cytogenetic location: 14q22.3.
Variant type: single nucleotide variant.
Coding change: c.169C>T on transcript NM_021728.4 (MANE Select); coding-DNA position 169, C replaced by T.
Protein change: p.Gln57Ter; replaces glutamine 57 with a stop codon.
Molecular consequence: nonsense.
Genome position (GRCh38, 1-based): chr14:56,804,292, G>A on the plus strand (C>T on the coding strand, the complement: OTX2 is on the minus strand). VCF-style: chr14-56804292-G-A. GRCh37 (hg19) VCF-style: chr14-57271010-G-A.
Other names: c.145C>T, p.Gln49Ter (NM_001270523.2, NM_001270524.2, NM_172337.3); c.169C>T, p.Gln57Ter (NM_001270525.2); short protein forms Q57*, Q49*.
Identifiers: ClinVar variation 4995306 (VCV004995306.1).
Genomic context (GRCh38, chr14:56,804,292, plus strand): 5'-CTCGCATGAAGATGTCTGGGTACCGGGTCTTGGCAAACAGTGCTTCCAGCACATCTAGCT[G>A]CGCCCGAGTGAACGTCGTCCTCTCCCGGCGCTGTTTCCGGGGGGTGGCTGCGGGACAAGA-3'

ClinVar aggregate classification (germline): Likely pathogenic (1 of 4 stars; one submission).

Conditions:
OTX2-related disorder. Also called: OTX2-related disorders; OTX2-related condition.

gnomAD v4.1: 1 of 1,614,154 alleles (0.000062%); highest among the groups gnomAD compares: Non-Finnish European, 0.000085%; no homozygotes.

Submission:

PreventionGenetics, part of Exact Sciences
Classification: Likely pathogenic for OTX2-related condition. Last evaluated: 2026-01-02. Review status: criteria provided, single submitter. Criteria: ACMG Guidelines, 2015. Collection method: clinical testing. Allele origin: germline.
Comment: The OTX2 c.145C>T variant is predicted to result in premature protein termination (p.Gln49*). To our knowledge, this variant has not been reported in the literature. This variant is absent in a large population database (gnomAD), indicating this variant is rare. Nonsense variants in OTX2 are an established mechanism of disease. Given the evidence, we interpret this variant as likely pathogenic.